The following is an entry in ClinVar:

NM_022166.4(XYLT1):c.2669A>G (p.Gln890Arg)

Gene: XYLT1 (xylosyltransferase 1; minus strand). Cytogenetic location: 16p12.3.
Variant type: single nucleotide variant.
Coding change: c.2669A>G on transcript NM_022166.4 (MANE Select); coding-DNA position 2669, A replaced by G.
Protein change: p.Gln890Arg; replaces glutamine 890 with arginine.
Molecular consequence: missense variant.
Genome position (GRCh38, 1-based): chr16:17,108,906, T>C on the plus strand (A>G on the coding strand, the complement: XYLT1 is on the minus strand). VCF-style: chr16-17108906-T-C. GRCh37 (hg19) VCF-style: chr16-17202763-T-C.
Other names: short protein forms Q890R.
Identifiers: ClinVar variation 1424246 (VCV001424246.7), dbSNP rs1321384222, ClinGen allele CA395217796.

ClinVar aggregate classification (germline): Uncertain significance (1 of 4 stars; one submission).

Conditions:
Desbuquois dysplasia 1 (DBQD1). Also called: MICROMELIC DWARFISM WITH VERTEBRAL AND METAPHYSEAL ABNORMALITIES AND ADVANCED CARPOTARSAL OSSIFICATION; DESBUQUOIS DYSPLASIA 1, KIM VARIANT. Identifiers: Orphanet 1425, MedGen C4012146, MONDO:0009629, OMIM 251450.

Allele frequency attached by ClinVar (database versions not stated): gnomAD exomes 0.00001 and 0.00003; gnomAD 0.00002; TOPMed 0.00002.
gnomAD v4.1: 11 of 1,606,414 alleles (0.00068%); highest among the groups gnomAD compares: Admixed American, 0.015%; no homozygotes.

Submission:

Labcorp Genetics (formerly Invitae), Labcorp
Classification: Uncertain significance for Desbuquois dysplasia 1. Last evaluated: 2021-04-17. Review status: criteria provided, single submitter. Criteria: Invitae Variant Classification Sherloc (09022015). Collection method: clinical testing. Allele origin: germline.
Comment: Algorithms developed to predict the effect of missense changes on protein structure and function are either unavailable or do not agree on the potential impact of this missense change (SIFT: "Deleterious"; PolyPhen-2: "Benign"; Align-GVGD: "Class C0"). In summary, the available evidence is currently insufficient to determine the role of this variant in disease. Therefore, it has been classified as a Variant of Uncertain Significance. This variant has not been reported in the literature in individuals with XYLT1-related conditions. This sequence change replaces glutamine with arginine at codon 890 of the XYLT1 protein (p.Gln890Arg). The glutamine residue is moderately conserved and there is a small physicochemical difference between glutamine and arginine. This variant is not present in population databases (ExAC no frequency).